The following is an entry in ClinVar:

NM_004937.3(CTNS):c.340_349del (p.Ile113_Arg114insTer)

Genes: CTNS (cystinosin, lysosomal cystine transporter; plus strand), CTNS-AS1 (CTNS antisense RNA 1; minus strand). Cytogenetic location: 17p13.2.
Variant type: Deletion.
Coding change: c.340_349del on transcript NM_004937.3 (MANE Select); coding-DNA positions 340 to 349, 10 bases deleted (CGCTTTCTTG; older notation c.340_349delCGCTTTCTTG).
Protein change: p.Ile113_Arg114insTer.
Molecular consequence: nonsense. On other transcripts: 5 prime UTR variant (4).
Genome position (GRCh38, 1-based): chr17:3,655,231-3,655,240, CGCTTTCTTG deleted. VCF-style (leftmost placement, unchanged base first): chr17-3655230-ACGCTTTCTTG-A. GRCh37 (hg19) VCF-style: chr17-3558524-ACGCTTTCTTG-A.
Other names: c.340_349del, p.Ile113_Arg114insTer (NM_001031681.3, NM_001374492.1); c.-102_-93del (NM_001374493.1, NM_001374494.1, NM_001374495.1 and 1 more transcripts).
Identifiers: ClinVar variation 4815396 (VCV004815396.1).
Genomic context (GRCh38, chr17:3,655,230, plus strand): 5'-TCCTTCAGAAGCCCAGCCTCAGCTCATCCCGGTCCCCAAACTCCTTTCCAGCCCGAGGAT[ACGCTTTCTTG>A]TGATCCGCAGCAGCGCCATTAGCATCATAAACCAGGTGATTGGCTGGATCTACTTTGTGG-3'

ClinVar aggregate classification (germline): Likely pathogenic (1 of 4 stars; one submission).

Conditions:
Cystinosis. Also called: Cystine diathesis; Cystine storage disease; Cystinoses. Identifiers: Orphanet 213, MedGen C4316899, MONDO:0016239.

Submission:

Natera, Inc.
Classification: Likely pathogenic for Cystinosis. Last evaluated: 2024-10-03. Review status: criteria provided, single submitter. Criteria: Natera Variant Classification Schema (03/2026). Collection method: clinical testing. Allele origin: germline.
Comment: The c.340_349del variant in CTNS is a frameshift variant predicted to shift the reading frame and introduce a stop codon. This variant is expected to result in nonsense mediated decay, truncation, or a dysfunctional protein product. This variant is rare in the general population with a frequency below the threshold expected for the associated phenotype(s). Given the available evidence, this variant is classified as Likely Pathogenic.